The following is an entry in ClinVar:

NM_006885.4(ZFHX3):c.8247G>A (p.Ala2749=)

Genes: ZFHX3 (zinc finger homeobox 3; minus strand), ZFHX3-AS1 (ZFHX3 antisense RNA 1; plus strand). Cytogenetic location: 16q22.2.
Variant type: single nucleotide variant.
Coding change: c.8247G>A on transcript NM_006885.4 (MANE Select); coding-DNA position 8247, G replaced by A.
Protein change: p.Ala2749=; no amino-acid change (alanine 2749 retained).
Molecular consequence: synonymous variant.
Genome position (GRCh38, 1-based): chr16:72,794,435, C>T on the plus strand (G>A on the coding strand, the complement: ZFHX3 is on the minus strand). VCF-style: chr16-72794435-C-T. GRCh37 (hg19) VCF-style: chr16-72828334-C-T.
Other names: c.5505G>A, p.Ala1835= (NM_001164766.2); c.8247G>A, p.Ala2749= (NM_001386735.1).
Identifiers: ClinVar variation 3044207 (VCV003044207.2), dbSNP rs2229287, ClinGen allele CA8163088.

ClinVar aggregate classification (germline): Benign (0 of 4 stars; one submission).

Conditions:
ZFHX3-related disorder. Also called: ZFHX3-related condition.

Allele frequency attached by ClinVar (database versions not stated): ExAC 0.00213; gnomAD 0.00641; ESP Exome Variant Server 0.00646; TOPMed 0.00731; 1000 Genomes Project 0.00779; 1000 Genomes Project 30x 0.00859.
gnomAD v4.1: 2,042 of 1,613,636 alleles (0.13%); highest among the groups gnomAD compares: African/African-American, 2.3%; 27 homozygotes.

Submission:

PreventionGenetics, part of Exact Sciences
Classification: Benign for ZFHX3-related condition. Last evaluated: 2019-11-12. Review status: no assertion criteria provided. Collection method: clinical testing. Allele origin: germline.
Comment: This variant is classified as benign based on ACMG/AMP sequence variant interpretation guidelines (Richards et al. 2015 PMID: 25741868, with internal and published modifications).